The following is an entry in ClinVar:

NM_000179.3(MSH6):c.2365A>C (p.Asn789His)

Gene: MSH6 (mutS homolog 6; plus strand). Cytogenetic location: 2p16.3.
Variant type: single nucleotide variant.
Coding change: c.2365A>C on transcript NM_000179.3 (MANE Select); coding-DNA position 2365, A replaced by C.
Protein change: p.Asn789His; replaces asparagine 789 with histidine.
Molecular consequence: missense variant.
Genome position (GRCh38, 1-based): chr2:47,800,348, A>C. VCF-style: chr2-47800348-A-C. GRCh37 (hg19) VCF-style: chr2-48027487-A-C.
Other names: p.Asn789His; c.1975A>C, p.Asn659His (NM_001281492.2); c.1459A>C, p.Asn487His (NM_001281493.2, NM_001281494.2); short protein forms N487H, N659H, N789H.
Identifiers: ClinVar variation 1342873 (VCV001342873.3), dbSNP rs2104402954, ClinGen allele CA346753639.

ClinVar aggregate classification (germline): Uncertain significance (1 of 4 stars; one submission).

Conditions:
Lynch syndrome 5 (LYNCH5). Also called: Hereditary non-polyposis colorectal cancer, type 5; Colorectal cancer, hereditary nonpolyposis, type 5. Identifiers: Orphanet 144, MedGen C1833477, MONDO:0013710, OMIM 614350. Disease mechanism: loss of function.

Submission:

Foundation for Research in Genetics and Endocrinology, FRIGE's Institute of Human Genetics
Classification: Uncertain significance for Lynch syndrome 5. Last evaluated: 2021-06-25. Review status: criteria provided, single submitter. Criteria: ACMG Guidelines, 2015. Collection method: research. Allele origin: germline. Inheritance: Autosomal dominant inheritance. Affected: yes. Observed: 1 heterozygote.
Comment: A heterozygous missense variation in exon 4 of the MSH6 gene (Depth: 325x) that results in the amino acid acid substitution of Histidine for Asparagine at codon 789 was detected. The observed variant c.2365A>C (p.Asn789His) has not been reported in the 1000 genomes and gnomAD databases. The in-silico prediction of the variant are possibly damaging by PolyPhen-2 (HumDiv) and MutationTaster2. The reference codon is conserved across mammals.